The following is an entry in ClinVar:

NC_000021.9:g.22647904_22670749del

Variant type: Deletion.
Identifiers: ClinVar variation 157469 (VCV000157469.3).

ClinVar aggregate classification (germline): not provided (0 of 4 stars; one submission).

Conditions:
Small for gestational age. Also called: Low birth weight. Identifiers: MedGen C0235991, HP:0001518.

Submission:

Institute of Molecular and Cell Biology, University of Tartu
No classification provided. Condition: Small for gestational age. Review status: no classification provided. Collection method: case-control. Allele origin: unknown. Affected: yes. Study: Kasak2014.
Comment: The study aimed to determine the contribution of copy number variants in the genetic etiology of normal and complicated pregnancies. The samples represented (i) maternal blood DNA drawn from healthy pregnant women during 1st or 2nd trimester and (ii) maternal and paternal blood DNA drawn at term pregnancy cases representing normal and complicated gestations (severe preeclampsia, PE; gestational diabetes, GD; small-for-gestational age newborn, SGA; large-for-gestational age newborn, LGA). We performed CNV calling based on genome-wide genotyping dataset (Illumina HumanOmniExpress-24-v1 BeadChip) by applying three algorithms, QuantiSNP, GADA (Genome Alteration Detection Algorithm) and CNstream in parallel. The acquired CNV calls were merged with HD-CNV (Hotspot Detector for Copy Number Variants) program and only the CNVs predicted by at least two programs, were considered in subsequent analysis.

Literature cited by the submitters: PubMed 25666259.